The following is an entry in ClinVar:

NM_006979.3(SLC39A7):c.773G>T (p.Arg258Leu)

Gene: SLC39A7 (solute carrier family 39 member 7; plus strand). Cytogenetic location: 6p21.32.
Variant type: single nucleotide variant.
Coding change: c.773G>T on transcript NM_006979.3 (MANE Select); coding-DNA position 773, G replaced by T.
Protein change: p.Arg258Leu; replaces arginine 258 with leucine.
Molecular consequence: missense variant.
Genome position (GRCh38, 1-based): chr6:33,202,401, G>T. VCF-style: chr6-33202401-G-T. GRCh37 (hg19) VCF-style: chr6-33170178-G-T.
Other names: c.773G>T, p.Arg258Leu (NM_001077516.2); c.398G>T, p.Arg133Leu (NM_001288777.2); short protein forms R133L, R258L.
Identifiers: ClinVar variation 1972601 (VCV001972601.5), dbSNP rs746003756, ClinGen allele CA363643075.
Genomic context (GRCh38, chr6:33,202,401, plus strand): 5'-GACATGTGAAAGGAGGACATGGTCACAGTCATGGACATGGACACGCTCACAGTCATACAC[G>T]TGGAAGTCATGGACATGGAAGACAAGGTGAGCCCAGGAACAACTTTCCTGAAAGCTGACT-3'
Protein context (NP_008910.2, residues 248-268): HGHGHAHSHT[Arg258Leu]GSHGHGRQER

ClinVar aggregate classification (germline): Uncertain significance. Review status: criteria provided, multiple submitters, no conflicts (2 of 4 stars). 2 submissions from 2 submitters: Uncertain significance (2). Last evaluated 2023-12-06.

gnomAD v4.1: 7 of 1,612,720 alleles (0.00043%); highest among the groups gnomAD compares: Admixed American, 0.0067%; no homozygotes.

Submissions (2):

Labcorp Genetics (formerly Invitae), Labcorp
Classification: Uncertain significance. Last evaluated: 2023-12-06. Review status: criteria provided, single submitter. Criteria: Invitae Variant Classification Sherloc (09022015). Collection method: clinical testing. Allele origin: germline.
Comment: This sequence change replaces arginine, which is basic and polar, with leucine, which is neutral and non-polar, at codon 258 of the SLC39A7 protein (p.Arg258Leu). This variant is not present in population databases (gnomAD no frequency). This variant has not been reported in the literature in individuals affected with SLC39A7-related conditions. ClinVar contains an entry for this variant (Variation ID: 1972601). An algorithm developed to predict the effect of missense changes on protein structure and function (PolyPhen-2) suggests that this variant¬†is likely to be tolerated. In summary, the available evidence is currently insufficient to determine the role of this variant in disease. Therefore, it has been classified as a Variant of Uncertain Significance.

Ambry Genetics
Classification: Uncertain significance. Last evaluated: 2022-01-31. Review status: criteria provided, single submitter. Criteria: Ambry Variant Classification Scheme 2023. Collection method: clinical testing. Allele origin: germline.